The following is an entry in ClinVar:

ClinVar aggregate classification (germline): Uncertain significance (1 of 4 stars; one submission).

Conditions:
Inborn genetic diseases. Identifiers: MedGen C0950123, MeSH D030342.

Submission:

Ambry Genetics
Classification: Uncertain significance for Inborn genetic diseases. Last evaluated: 2025-12-12. Review status: criteria provided, single submitter. Criteria: Ambry Variant Classification Scheme 2023. Collection method: clinical testing. Allele origin: germline.
Comment: The p.S703C variant (also known as c.2108C>G), located in coding exon 20 of the ANKRD26 gene, results from a C to G substitution at nucleotide position 2108. The serine at codon 703 is replaced by cysteine, an amino acid with dissimilar properties. This amino acid position is conserved. In addition, this alteration is predicted to be tolerated by in silico analysis. Based on the available evidence, the clinical significance of this variant remains unclear.

NM_014915.3(ANKRD26):c.2108C>G (p.Ser703Cys)

Gene: ANKRD26 (ankyrin repeat domain 26; minus strand). Cytogenetic location: 10p12.1.
Variant type: single nucleotide variant.
Coding change: c.2108C>G on transcript NM_014915.3 (MANE Select); coding-DNA position 2108, C replaced by G.
Protein change: p.Ser703Cys; replaces serine 703 with cysteine.
Molecular consequence: missense variant.
Genome position (GRCh38, 1-based): chr10:27,043,479, G>C on the plus strand (C>G on the coding strand, the complement: ANKRD26 is on the minus strand). VCF-style: chr10-27043479-G-C. GRCh37 (hg19) VCF-style: chr10-27332408-G-C.
Other names: c.2105C>G, p.Ser702Cys (NM_001256053.2); short protein forms S702C, S703C.
Identifiers: ClinVar variation 4580502 (VCV004580502.1).